The following is an entry in ClinVar:

NM_001145860.2(POP1):c.2774G>A (p.Arg925His)

Gene: POP1 (POP1 ribonuclease P/MRP subunit; plus strand). Cytogenetic location: 8q22.2.
Variant type: single nucleotide variant.
Coding change: c.2774G>A on transcript NM_001145860.2 (MANE Select); coding-DNA position 2774, G replaced by A.
Protein change: p.Arg925His; replaces arginine 925 with histidine.
Molecular consequence: missense variant.
Genome position (GRCh38, 1-based): chr8:98,157,970, G>A. VCF-style: chr8-98157970-G-A. GRCh37 (hg19) VCF-style: chr8-99170198-G-A.
Other names: c.2774G>A, p.Arg925His (NM_001145861.2, NM_015029.3); short protein forms R925H.
Identifiers: ClinVar variation 1372120 (VCV001372120.9), dbSNP rs756634206, ClinGen allele CA4820903.

ClinVar aggregate classification (germline): Conflicting classifications of pathogenicity. Review status: criteria provided, conflicting classifications (1 of 4 stars). 2 submissions from 2 submitters: Uncertain significance (1); Likely benign (1). Last evaluated 2025-06-02.

Allele frequency attached by ClinVar (database versions not stated): gnomAD 0.00001; ExAC 0.00002.
gnomAD v4.1: 34 of 1,613,444 alleles (0.0021%); highest among the groups gnomAD compares: Non-Finnish European, 0.0025%; no homozygotes.

Submissions (2):

Labcorp Genetics (formerly Invitae), Labcorp
Classification: Uncertain significance. Last evaluated: 2025-06-02. Review status: criteria provided, single submitter. Criteria: Invitae Variant Classification Sherloc (09022015). Collection method: clinical testing. Allele origin: germline.
Comment: This sequence change replaces arginine, which is basic and polar, with histidine, which is basic and polar, at codon 925 of the POP1 protein (p.Arg925His). This variant is present in population databases (rs756634206, gnomAD 0.002%). This variant has not been reported in the literature in individuals affected with POP1-related conditions. ClinVar contains an entry for this variant (Variation ID: 1372120). An algorithm developed to predict the effect of missense changes on protein structure and function outputs the following: PolyPhen-2: "Benign". The histidine amino acid residue is found in multiple mammalian species, which suggests that this missense change does not adversely affect protein function. In summary, the available evidence is currently insufficient to determine the role of this variant in disease. Therefore, it has been classified as a Variant of Uncertain Significance.

Blueprint Genetics
Classification: Likely benign. Last evaluated: 2024-07-15. Review status: criteria provided, single submitter. Criteria: ACMG Guidelines, 2015. Collection method: clinical testing. Allele origin: germline.